The following is an entry in ClinVar:

ClinVar aggregate classification (germline): Uncertain significance (1 of 4 stars; one submission).

Submission:

Greenwood Genetic Center Diagnostic Laboratories, Greenwood Genetic Center
Classification: Uncertain significance. Last evaluated: 2024-10-24. Review status: criteria provided, single submitter. Criteria: ACMG Guidelines, 2015. Collection method: clinical testing. Allele origin: germline. Affected: yes.
Comment: PM2, BP4

NM_001291415.2(KDM6A):c.1015C>G (p.Gln339Glu)

Gene: KDM6A (lysine demethylase 6A; plus strand). Cytogenetic location: Xp11.3.
Variant type: single nucleotide variant.
Coding change: c.1015C>G on transcript NM_001291415.2 (MANE Select); coding-DNA position 1015, C replaced by G.
Protein change: p.Gln339Glu; replaces glutamine 339 with glutamic acid.
Molecular consequence: missense variant. On other transcripts: non-coding transcript variant (1).
Genome position (GRCh38, 1-based): chrX:45,059,287, C>G. VCF-style: chrX-45059287-C-G. GRCh37 (hg19) VCF-style: chrX-44918532-C-G.
Other names: c.1015C>G, p.Gln339Glu (NM_001291416.2, NM_001291417.2, NM_001291418.2 and 9 more transcripts); c.262C>G, p.Gln88Glu (NM_001291421.2); short protein forms Q339E, Q88E.
Identifiers: ClinVar variation 3765726 (VCV003765726.1).